The following is an entry in ClinVar:

NM_001329630.2(PLEKHA7):c.3189A>C (p.Ser1063=)

Gene: PLEKHA7 (pleckstrin homology domain containing A7; minus strand). Cytogenetic location: 11p15.2.
Variant type: single nucleotide variant.
Coding change: c.3189A>C on transcript NM_001329630.2 (MANE Select); coding-DNA position 3189, A replaced by C.
Protein change: p.Ser1063=; no amino-acid change (serine 1063 retained).
Molecular consequence: synonymous variant.
Genome position (GRCh38, 1-based): chr11:16,789,264, T>G on the plus strand (A>C on the coding strand, the complement: PLEKHA7 is on the minus strand). VCF-style: chr11-16789264-T-G. GRCh37 (hg19) VCF-style: chr11-16810811-T-G.
Other names: c.3192A>C, p.Ser1064= (NM_001329631.2, NM_001410960.1); c.3189A>C, p.Ser1063= (NM_175058.5).
Identifiers: ClinVar variation 3037586 (VCV003037586.2), dbSNP rs149883568, ClinGen allele CA5898832.
Genomic context (GRCh38, chr11:16,789,264, plus strand): 5'-GTGTCGCTTCATGCGCTCCAGCTGCTCCTCTGCACTCATCTTGCCTCGCTGGTGATCCCC[T>G]GAGTACAGGCGCTCCAAGGCACTCTTAGGTCTCTGAGGAAGAGGAGGCAGGCAAGAGAGA-3'
Protein context (NP_001316559.1, residues 1053-1073): RPKSALERLY[Ser1063=]GDHQRGKMSA

ClinVar aggregate classification (germline): Likely benign (0 of 4 stars; one submission).

Conditions:
PLEKHA7-related disorder. Also called: PLEKHA7-related condition.

Allele frequency attached by ClinVar (database versions not stated): 1000 Genomes Project 0.00060; 1000 Genomes Project 30x 0.00062; ESP Exome Variant Server 0.00100; TOPMed 0.00106.

Submission:

PreventionGenetics, part of Exact Sciences
Classification: Likely benign for PLEKHA7-related condition. Last evaluated: 2024-05-02. Review status: no assertion criteria provided. Collection method: clinical testing. Allele origin: germline.
Comment: This variant is classified as likely benign based on ACMG/AMP sequence variant interpretation guidelines (Richards et al. 2015 PMID: 25741868, with internal and published modifications).